The following is an entry in ClinVar:

ClinVar aggregate classification (germline): Likely benign. Review status: criteria provided, multiple submitters, no conflicts (2 of 4 stars). 4 submissions from 4 submitters: Likely benign (4). Last evaluated 2026-01-26.

Conditions:
Familial cancer of breast. Also called: BREAST CANCER, FAMILIAL; hereditary breast carcinoma; Hereditary breast cancer. Identifiers: Orphanet 227535, MedGen C0346153, MONDO:0016419, OMIM 114480. Disease mechanism: loss of function.
Fanconi anemia complementation group J. Also called: BRIP1-Related Fanconi Anemia. Identifiers: Orphanet 84, MedGen C1836860, MONDO:0012187, OMIM 609054.
Hereditary cancer-predisposing syndrome. Also called: Hereditary Cancer Syndrome; Neoplastic Syndromes, Hereditary; Tumor predisposition; Hereditary neoplastic syndrome. Identifiers: Orphanet 140162, MedGen C0027672, MeSH D009386, MONDO:0015356.

Allele frequency attached by ClinVar (database versions not stated): gnomAD exomes below 0.00001 and 0.00002; TOPMed below 0.00001; ExAC 0.00001.
gnomAD v4.1: 4 of 1,609,210 alleles (0.00025%); highest among the groups gnomAD compares: East Asian, 0.0067%; no homozygotes.

Submissions (4):

Labcorp Genetics (formerly Invitae), Labcorp
Classification: Likely benign for Familial cancer of breast; Fanconi anemia complementation group J. Last evaluated: 2026-01-26. Review status: criteria provided, single submitter. Criteria: Invitae Variant Classification Sherloc (09022015). Collection method: clinical testing. Allele origin: germline.

Center for Genomic Medicine, Rigshospitalet, Copenhagen University Hospital
Classification: Likely benign. Last evaluated: 2025-03-04. Review status: criteria provided, single submitter. Criteria: ACMG Guidelines, 2015. Collection method: clinical testing. Allele origin: germline.

Myriad Genetics, Inc.
Classification: Likely benign for Familial cancer of breast. Last evaluated: 2024-09-05. Review status: criteria provided, single submitter. Criteria: Myriad Autosomal Dominant, Autosomal Recessive and X-Linked Classification Criteria (2023). Collection method: clinical testing. Allele origin: unknown.
Comment: This variant is considered likely benign. This variant is intronic and is not expected to impact mRNA splicing.

Color Diagnostics, LLC DBA Color Health
Classification: Likely benign for Hereditary cancer-predisposing syndrome. Last evaluated: 2018-01-07. Review status: criteria provided, single submitter. Criteria: ACMG Guidelines, 2015. Collection method: clinical testing. Allele origin: germline.

NM_032043.3(BRIP1):c.2575+7T>A

Gene: BRIP1 (BRCA1 interacting DNA helicase 1; minus strand). Cytogenetic location: 17q23.2.
Variant type: single nucleotide variant.
Coding change: c.2575+7T>A on transcript NM_032043.3 (MANE Select); 7 bases into the intron after coding-DNA position 2575, T replaced by A.
Molecular consequence: intron variant.
Genome position (GRCh38, 1-based): chr17:61,693,423, A>T on the plus strand (T>A on the coding strand, the complement: BRIP1 is on the minus strand). VCF-style: chr17-61693423-A-T. GRCh37 (hg19) VCF-style: chr17-59770784-A-T.
Identifiers: ClinVar variation 630232 (VCV000630232.21), dbSNP rs750874535, ClinGen allele CA8690483.